The following is an entry in ClinVar:

ClinVar aggregate classification (germline): Uncertain significance (3 of 4 stars; one submission).

Conditions:
Galactosemia. Also called: Galactose intolerance. Identifiers: Orphanet 352, MedGen C0016952, MONDO:0018116, HP:0004919. Disease mechanism: loss of function.

gnomAD v4.1: 3 of 1,614,132 alleles (0.00019%); highest among the groups gnomAD compares: South Asian, 0.0011%; no homozygotes.

Submission:

Clingen Galactosemia Variant Curation Expert Panel, ClinGen
Classification: Uncertain significance for Galactosemia. Last evaluated: 2026-06-23. Review status: reviewed by expert panel. Criteria: ClinGen Galactosemia ACMG Specifications GALT V1.1. Collection method: curation. Allele origin: germline. Inheritance: Autosomal recessive inheritance.
Comment: The c.836T>C variant in GALT is a missense variant predicted to cause substitution of methionine to threonine at amino acid 279 (p.Met279Thr). This variant was only detected on three chromosomes by gnomAD v4.1.0, which is lower than the ClinGen Galactosemia threshold (≤0.0005) for PM2_Supporting, and therefore meets this criterion (PM2_Supporting). The computational predictor REVEL gives a score of 0.785, which is equal to or above the threshold of 0.7, evidence that correlates with impact to GALT function (PP3). In summary, this variant meets the criteria to be classified as uncertain significance for galactosemia based on the ACMG/AMP criteria applied, as specified by the ClinGen Galactosemia VCEP: PM2_Supporting; PP3 (GALT specifications v1.0.0).

NM_000155.4(GALT):c.836T>C (p.Met279Thr)

Gene: GALT (galactose-1-phosphate uridylyltransferase; plus strand). Cytogenetic location: 9p13.3.
Variant type: single nucleotide variant.
Coding change: c.836T>C on transcript NM_000155.4 (MANE Select); coding-DNA position 836, T replaced by C.
Protein change: p.Met279Thr; replaces methionine 279 with threonine.
Molecular consequence: missense variant.
Genome position (GRCh38, 1-based): chr9:34,649,013, T>C. VCF-style: chr9-34649013-T-C. GRCh37 (hg19) VCF-style: chr9-34649010-T-C.
Other names: NM_001258332.2:c.509T>C; c.509T>C, p.Met170Thr (NM_001258332.2); short protein forms M279T, M170T.
Identifiers: ClinVar variation 5021467 (VCV005021467.1).
Genomic context (GRCh38, chr9:34,649,013, plus strand): 5'-GGTCAGCATCTGGACCCCAGGCTGAGAGTCAGGCTCTGATTCCAGATCTAGCCTCCATCA[T>C]GAAGAAGCTCTTGACCAAGTATGACAACCTCTTTGAGACGTCCTTTCCCTACTCCATGGG-3'
Protein context (NP_000146.2, residues 269-289): PAERDDLASI[Met279Thr]KKLLTKYDNL